The following is an entry in ClinVar:

NM_001197104.2(KMT2A):c.3573G>A (p.Met1191Ile)

Gene: KMT2A (lysine methyltransferase 2A; plus strand). Cytogenetic location: 11q23.3.
Variant type: single nucleotide variant.
Coding change: c.3573G>A on transcript NM_001197104.2 (MANE Select); coding-DNA position 3573, G replaced by A.
Protein change: p.Met1191Ile; replaces methionine 1191 with isoleucine.
Molecular consequence: missense variant.
Genome position (GRCh38, 1-based): chr11:118,480,177, G>A. VCF-style: chr11-118480177-G-A. GRCh37 (hg19) VCF-style: chr11-118350892-G-A.
Other names: c.3672G>A, p.Met1224Ile (NM_001412597.1); c.3573G>A, p.Met1191Ile (NM_005933.4); short protein forms M1191I, M1224I.
Identifiers: ClinVar variation 2428852 (VCV002428852.6), dbSNP rs1950106347, ClinGen allele CA382826211.

ClinVar aggregate classification (germline): Uncertain significance. Review status: criteria provided, multiple submitters, no conflicts (2 of 4 stars). 2 submissions from 2 submitters: Uncertain significance (2). Last evaluated 2023-03-08.

Allele frequency attached by ClinVar (database versions not stated): gnomAD exomes below 0.00001; TOPMed below 0.00001.

Submissions (2):

Labcorp Genetics (formerly Invitae), Labcorp
Classification: Uncertain significance. Last evaluated: 2023-03-08. Review status: criteria provided, single submitter. Criteria: Invitae Variant Classification Sherloc (09022015). Collection method: clinical testing. Allele origin: germline.
Comment: In summary, the available evidence is currently insufficient to determine the role of this variant in disease. Therefore, it has been classified as a Variant of Uncertain Significance. Advanced modeling of protein sequence and biophysical properties (such as structural, functional, and spatial information, amino acid conservation, physicochemical variation, residue mobility, and thermodynamic stability) has been performed at Invitae for this missense variant, however the output from this modeling did not meet the statistical confidence thresholds required to predict the impact of this variant on KMT2A protein function. ClinVar contains an entry for this variant (Variation ID: 2428852). This variant has not been reported in the literature in individuals affected with KMT2A-related conditions. This variant is not present in population databases (gnomAD no frequency). This sequence change replaces methionine, which is neutral and non-polar, with isoleucine, which is neutral and non-polar, at codon 1191 of the KMT2A protein (p.Met1191Ile).

GeneDx
Classification: Uncertain significance. Last evaluated: 2022-08-05. Review status: criteria provided, single submitter. Criteria: GeneDx Variant Classification Process June 2021. Collection method: clinical testing. Allele origin: germline. Affected: yes.
Comment: Not observed at significant frequency in large population cohorts (gnomAD); In silico analysis supports that this missense variant does not alter protein structure/function; Has not been previously published as pathogenic or benign to our knowledge